The following is an entry in ClinVar:

ClinVar aggregate classification (germline): Uncertain significance (1 of 4 stars; one submission).

Conditions:
Severe combined immunodeficiency due to DNA-PKcs deficiency. Also called: IMMUNODEFICIENCY 26 WITH NEUROLOGIC ABNORMALITIES; Immunodeficiency 26 with or without neurologic abnormalities. Identifiers: Orphanet 317425, MedGen C4014833, MONDO:0014423, OMIM 615966.

Submission:

Labcorp Genetics (formerly Invitae), Labcorp
Classification: Uncertain significance for Severe combined immunodeficiency due to DNA-PKcs deficiency. Last evaluated: 2021-03-04. Review status: criteria provided, single submitter. Criteria: Invitae Variant Classification Sherloc (09022015). Collection method: clinical testing. Allele origin: germline.
Comment: In summary, the available evidence is currently insufficient to determine the role of this variant in disease. Therefore, it has been classified as a Variant of Uncertain Significance. Experimental studies and prediction algorithms are not available or were not evaluated, and the functional significance of this variant is currently unknown. This variant has not been reported in the literature in individuals with PRKDC-related conditions. This variant is not present in population databases (ExAC no frequency). This sequence change replaces isoleucine with valine at codon 1307 of the PRKDC protein (p.Ile1307Val). The isoleucine residue is weakly conserved and there is a small physicochemical difference between isoleucine and valine.

NM_006904.7(PRKDC):c.3919A>G (p.Ile1307Val)

Gene: PRKDC (protein kinase, DNA-activated, catalytic subunit; minus strand). Cytogenetic location: 8q11.21.
Variant type: single nucleotide variant.
Coding change: c.3919A>G on transcript NM_006904.7 (MANE Select); coding-DNA position 3919, A replaced by G.
Protein change: p.Ile1307Val; replaces isoleucine 1307 with valine.
Molecular consequence: missense variant.
Genome position (GRCh38, 1-based): chr8:47,890,409, T>C on the plus strand (A>G on the coding strand, the complement: PRKDC is on the minus strand). VCF-style: chr8-47890409-T-C. GRCh37 (hg19) VCF-style: chr8-48802970-T-C.
Other names: c.3919A>G, p.Ile1307Val (NM_001081640.2); short protein forms I1307V.
Identifiers: ClinVar variation 999009 (VCV000999009.7), dbSNP rs2089435588, ClinGen allele CA371148895.